The following is an entry in ClinVar:

NM_138360.4(CARMIL3):c.1236G>A (p.Pro412=)

Gene: CARMIL3 (capping protein regulator and myosin 1 linker 3; plus strand). Cytogenetic location: 14q11.2.
Variant type: single nucleotide variant.
Coding change: c.1236G>A on transcript NM_138360.4 (MANE Select); coding-DNA position 1236, G replaced by A.
Protein change: p.Pro412=; no amino-acid change (proline 412 retained).
Molecular consequence: synonymous variant.
Genome position (GRCh38, 1-based): chr14:24,057,978, G>A. VCF-style: chr14-24057978-G-A. GRCh37 (hg19) VCF-style: chr14-24527187-G-A.
Identifiers: ClinVar variation 5038562 (VCV005038562.1).

ClinVar aggregate classification (germline): Likely benign (1 of 4 stars; one submission).

Submission:

CeGaT Center for Human Genetics Tuebingen
Classification: Likely benign. Last evaluated: 2026-08-01. Review status: criteria provided, single submitter. Criteria: CeGaT Center For Human Genetics Tuebingen Variant Classification Criteria Version 2. Collection method: clinical testing. Allele origin: germline. Affected: yes. Observed: 1 variant allele.
Comment: CARMIL3: BP4, BP7